The following is an entry in ClinVar:

NC_000016.9:g.(?_31340529)_(31340644_?)del

Gene: ITGAM (integrin subunit alpha M; plus strand). Cytogenetic location: 16p11.2.
Variant type: Deletion.
Identifiers: ClinVar variation 2423335 (VCV002423335.4).

ClinVar aggregate classification (germline): Uncertain significance (1 of 4 stars; one submission).

Submission:

Labcorp Genetics (formerly Invitae), Labcorp
Classification: Uncertain significance. Last evaluated: 2024-01-18. Review status: criteria provided, single submitter. Criteria: Invitae Variant Classification Sherloc (09022015). Collection method: clinical testing. Allele origin: germline.
Comment: This variant is a gross deletion of the genomic region encompassing exon(s) 24 of the ITGAM gene. This deletion is out-of-frame, and is expected to create a premature translational stop signal and result in an absent or disrupted protein product. However, the current clinical and genetic evidence is not sufficient to establish whether loss-of-function variants in ITGAM cause disease. This variant has not been reported in the literature in individuals affected with ITGAM-related conditions. In summary, the available evidence is currently insufficient to determine the role of this variant in disease. Therefore, it has been classified as a Variant of Uncertain Significance.